The following is an entry in ClinVar:

NM_000368.5(TSC1):c.1152del (p.Gly385fs)

Gene: TSC1 (TSC complex subunit 1; minus strand). Cytogenetic location: 9q34.13.
Variant type: Deletion.
Coding change: c.1152del on transcript NM_000368.5 (MANE Select); coding-DNA position 1152, one base deleted (A; older notation c.1152delA).
Protein change: p.Gly385fs; shifts the reading frame from glycine 385.
Molecular consequence: frameshift variant.
Genome position (GRCh38, 1-based): chr9:132,910,682, T deleted on the plus strand (A on the coding strand, the reverse complement: TSC1 is on the minus strand); the first of 4 consecutive T bases (chr9:132,910,682-132,910,685); deleting any one gives the same sequence. VCF-style (leftmost placement, unchanged base first): chr9-132910681-CT-C. GRCh37 (hg19) VCF-style: chr9-135786068-CT-C.
Other names: c.1152delA (NM_000368.4); c.1149del, p.Gly384fs (NM_001162426.2); c.999del, p.Gly334fs (NM_001162427.2); c.789del, p.Gly264fs (NM_001362177.2); short protein forms G334fs, G264fs, G384fs, G385fs.
Identifiers: ClinVar variation 48748 (VCV000048748.2), dbSNP rs118203501, ClinGen allele CA004454.

ClinVar aggregate classification (germline): Pathogenic. Review status: criteria provided, single submitter (1 of 4 stars). 2 submissions from 2 submitters: Pathogenic (1). 1 of the submissions does not count toward it. Last evaluated 2014-09-19.

Conditions:
Tuberous sclerosis syndrome (TSC). Also called: Tuberous Sclerosis Complex; Tuberous sclerosis. Identifiers: Orphanet 805, MedGen C0041341, MONDO:0001734.

Submissions (2):

GeneDx
Classification: Pathogenic. Last evaluated: 2014-09-19. Review status: criteria provided, single submitter. Criteria: GeneDx Variant Classification (06012015). Collection method: clinical testing. Allele origin: germline. Affected: yes.
Comment: c.1152delA: p.Gly385GlufsX55 (G385EfsX55) in exon 12 of the TSC1 gene (NM_000368.4). The normal sequence with the base that is deleted in braces is: GAAA{A}GGAA. The c.1152delA mutation in the TSC1 gene causes a frameshift starting with codon Glycine 385, changes this amino acid to a Glutamic acid residue and creates a premature Stop codon at position 55 of the new reading frame, denoted p.Gly385GlufsX55. This mutation is predicted to cause loss of normal protein function either through protein truncation or nonsense-mediated mRNA decay. The c.1152delA mutation has been reported as pathogenic in an external database and other frameshift mutations have been reported in the TSC1 gene in association with tuberous sclerosis complex (TSC). Therefore, the presence of the c.1152delA mutation is consistent with a diagnosis of tuberous sclerosis complex. The variant is found in EPILEPSY panel(s).

Tuberous sclerosis database (TSC1)
No classification provided. Condition: TSC. Review status: no classification provided. Criteria: Tuberous Sclerosis Database Assertion Criteria 2015. Collection method: curation. Allele origin: germline. Affected: yes. Not counted in ClinVar's aggregate classification.